The following is an entry in ClinVar:

ClinVar aggregate classification (germline): Conflicting classifications of pathogenicity. Review status: criteria provided, conflicting classifications (1 of 4 stars). 9 submissions from 9 submitters: Likely pathogenic (7); Uncertain significance (2). Last evaluated 2026-03-12.

Conditions:
Mitochondrial complex II deficiency, nuclear type 1. Also called: SUCCINATE CoQ REDUCTASE DEFICIENCY. Identifiers: Orphanet 3208, MedGen C5700310, MONDO:0100294, OMIM 252011.
Dilated cardiomyopathy 1GG (CMD1GG). Identifiers: Orphanet 154, MedGen C3150898, MONDO:0013339, OMIM 613642.
Pheochromocytoma/paraganglioma syndrome 5. Also called: Paragangliomas 5; SDHA-Related Hereditary Paraganglioma-Pheochromocytoma Syndrome. Identifiers: Orphanet 29072, MedGen C3279992, MONDO:0013602, OMIM 614165.
Hereditary cancer-predisposing syndrome. Also called: Tumor predisposition; Hereditary neoplastic syndrome; Hereditary Cancer Syndrome; Neoplastic Syndromes, Hereditary. Identifiers: Orphanet 140162, MedGen C0027672, MeSH D009386, MONDO:0015356.
Gastrointestinal stromal tumor. Also called: Gastrointestinal stromal tumor, somatic; Gastrointestinal stroma tumor. Identifiers: Orphanet 44890, MedGen C0238198, MeSH D046152, MONDO:0011719, OMIM 606764, HP:0100723.

Allele frequency attached by ClinVar (database versions not stated): TOPMed below 0.00001; ExAC 0.00001.

Submissions (9):

Myriad Genetics, Inc.
Classification: Likely pathogenic for Pheochromocytoma/paraganglioma syndrome 5. Last evaluated: 2026-03-12. Review status: criteria provided, single submitter. Criteria: Myriad Autosomal Dominant, Autosomal Recessive and X-Linked Classification Criteria (2023). Collection method: clinical testing. Allele origin: unknown.
Comment: This variant is considered likely pathogenic. Functional studies indicate this variant impacts protein function [PMID: 39321216]. This variant is expected to disrupt protein structure [Myriad internal data]. This variant has been reported in multiple individuals with clinical features of gene-specific disease [PMID: 23612575, 25720320, 28384794, 35870552].

Labcorp Genetics (formerly Invitae), Labcorp
Classification: Likely pathogenic for Pheochromocytoma/paraganglioma syndrome 5; Mitochondrial complex II deficiency, nuclear type 1. Last evaluated: 2025-12-29. Review status: criteria provided, single submitter. Criteria: Invitae Variant Classification Sherloc (09022015). Collection method: clinical testing. Allele origin: germline.
Comment: This sequence change replaces arginine, which is basic and polar, with glutamine, which is neutral and polar, at codon 589 of the SDHA protein (p.Arg589Gln). This variant is not present in population databases (gnomAD no frequency). This missense change has been observed in individuals with gastrointestinal stromal tumors and paraganglioma-pheochromocytoma syndromes (PMID: 23612575, 25720320, 28384794). ClinVar contains an entry for this variant (Variation ID: 412342). Invitae Evidence Modeling of protein sequence and biophysical properties (such as structural, functional, and spatial information, amino acid conservation, physicochemical variation, residue mobility, and thermodynamic stability) has been performed for this missense variant. However, the output from this modeling did not meet the statistical confidence thresholds required to predict the impact of this variant on SDHA protein function. Experimental studies have shown that this missense change affects SDHA function (PMID: 39321216). This variant disrupts the p.Arg589 amino acid residue in SDHA. Other variant(s) that disrupt this residue have been determined to be pathogenic (PMID: 20484225, 22955521, 25405498, 28546994). This suggests that this residue is clinically significant, and that variants that disrupt this residue are likely to be disease-causing. In summary, the currently available evidence indicates that the variant is pathogenic, but additional data are needed to prove that conclusively. Therefore, this variant has been classified as Likely Pathogenic.

CeGaT Center for Human Genetics Tuebingen
Classification: Uncertain significance. Last evaluated: 2025-03-01. Review status: criteria provided, single submitter. Criteria: CeGaT Center For Human Genetics Tuebingen Variant Classification Criteria Version 2. Collection method: clinical testing. Allele origin: germline. Affected: yes. Observed: 1 variant allele.
Comment: SDHA: PM2, PM5, PP3

Laboratory of Genetics, Children's Clinical University Hospital Latvia
Classification: Likely pathogenic. Last evaluated: 2025-02-16. Review status: criteria provided, single submitter. Criteria: ACMG Guidelines, 2015. Collection method: clinical testing. Allele origin: germline. Affected: yes.

Ambry Genetics
Classification: Likely pathogenic for Hereditary cancer-predisposing syndrome. Last evaluated: 2024-10-11. Review status: criteria provided, single submitter. Criteria: Ambry Variant Classification Scheme 2023. Collection method: clinical testing. Allele origin: germline.
Comment: The p.R589Q variant (also known as c.1766G>A), located in coding exon 13 of the SDHA gene, results from a G to A substitution at nucleotide position 1766. The arginine at codon 589 is replaced by glutamine, an amino acid with highly similar properties. This variant has been detected in multiple individuals diagnosed with paraganglioma and/or pheochromocytoma (Papathomas TG et al. Mod Pathol, 2015 Jun;28:807-21; Bausch B et al. JAMA Oncol, 2017 Sep;3:1204-1212). This alteration was also identified in an individual with a gastrointestinal stromal tumor (GIST) that showed loss of SDHA by immunohistochemistry (IHC) (Pantaleo MA et al. Eur J Hum Genet, 2014 Jan;22:32-9; Pantaleo MA et al. Front Oncol, 2021 Jan;11:778461). Based on internal structural analysis, p.R589Q disrupt the structural stability (Ambry internal data). This amino acid position is highly conserved in available vertebrate species. In addition, this alteration is predicted to be deleterious by in silico analysis. This variant is considered to be rare based on population cohorts in the Genome Aggregation Database (gnomAD). Based on the majority of available evidence to date, this variant is likely to be pathogenic.

Baylor Genetics
Classification: Likely pathogenic for Dilated cardiomyopathy 1GG. Last evaluated: 2023-05-17. Review status: criteria provided, single submitter. Criteria: ACMG Guidelines, 2015. Collection method: clinical testing. Allele origin: unknown.

Department of Pathology and Laboratory Medicine, Sinai Health System
Classification: Likely pathogenic for Mitochondrial complex II deficiency, nuclear type 1; Dilated cardiomyopathy 1GG. Last evaluated: 2023-01-16. Review status: criteria provided, single submitter. Criteria: ACMG Guidelines, 2015. Collection method: research. Allele origin: germline.

GeneDx
Classification: Uncertain significance. Last evaluated: 2022-05-09. Review status: criteria provided, single submitter. Criteria: GeneDx Variant Classification Process June 2021. Collection method: clinical testing. Allele origin: germline. Affected: yes.
Comment: In silico analysis supports that this missense variant has a deleterious effect on protein structure/function; Not observed at significant frequency in large population cohorts (gnomAD); This variant is associated with the following publications: (PMID: 28384794, 25720320, 23612575, 35059314, 39321216)

“Giorgio Prodi” Cancer Research Center, University of Bologna
Classification: Likely pathogenic for Gastrointestinal stromal tumor. Last evaluated: 2021-10-01. Review status: criteria provided, single submitter. Criteria: ACMG Guidelines, 2015. Collection method: research. Allele origin: germline. Affected: yes. Observed: 1 variant allele.

Literature cited by the submitters: PubMed 39321216 (cited by Myriad Genetics, Inc. and Labcorp Genetics (formerly Invitae), Labcorp); PubMed 23612575 (cited by 4 submitters); PubMed 25720320 (cited by 3 submitters); PubMed 28384794 (cited by 3 submitters); PubMed 35870552 (cited by Myriad Genetics, Inc.); PubMed 20484225 (cited by Labcorp Genetics (formerly Invitae), Labcorp); PubMed 22955521 (cited by Labcorp Genetics (formerly Invitae), Labcorp); PubMed 25405498 (cited by Labcorp Genetics (formerly Invitae), Labcorp); PubMed 28546994 (cited by Labcorp Genetics (formerly Invitae), Labcorp); PubMed 35059314 (cited by Ambry Genetics).

NM_004168.4(SDHA):c.1766G>A (p.Arg589Gln)

Gene: SDHA (succinate dehydrogenase complex flavoprotein subunit A; plus strand). Cytogenetic location: 5p15.33.
Variant type: single nucleotide variant.
Coding change: c.1766G>A on transcript NM_004168.4 (MANE Select); coding-DNA position 1766, G replaced by A.
Protein change: p.Arg589Gln; replaces arginine 589 with glutamine.
Molecular consequence: missense variant. On other transcripts: intron variant (1).
Genome position (GRCh38, 1-based): chr5:251,440, G>A. VCF-style: chr5-251440-G-A. GRCh37 (hg19) VCF-style: chr5-251555-G-A.
Other names: c.1766G>A (NM_004168.2); c.1622G>A, p.Arg541Gln (NM_001294332.2); c.1552-2953G>A (NM_001330758.2); short protein forms R589Q, R541Q.
Identifiers: ClinVar variation 412342 (VCV000412342.31), dbSNP rs763766162, ClinGen allele CA3173350.